The following is an entry in ClinVar:

ClinVar aggregate classification (germline): Uncertain significance (0 of 4 stars; one submission).

Allele frequency attached by ClinVar (database versions not stated): TOPMed 0.00031; 1000 Genomes Project 30x 0.00047; gnomAD 0.00056; ExAC 0.00057; gnomAD exomes 0.00059; 1000 Genomes Project 0.00060; ESP Exome Variant Server 0.00065.
gnomAD v4.1: 736 of 1,613,562 alleles (0.046%); highest among the groups gnomAD compares: Non-Finnish European, 0.049%; 1 homozygote.

Submission:

Department of Pathology and Laboratory Medicine, Sinai Health System
Classification: Uncertain significance. Review status: no assertion criteria provided. Collection method: clinical testing. Allele origin: unknown. Affected: yes. Study: The Canadian Open Genetics Repository (COGR).
Comment: The MAML2 p.Phe1009Val variant was not identified in the literature nor was it identified in ClinVar, Cosmic or LOVD 3.0. The variant was identified in dbSNP (ID: rs182630516) and in control databases in 184 of 279532 chromosomes at a frequency of 0.000658 increasing the likelihood this could be a low frequency benign variant (Genome Aggregation Database Feb 27, 2017). The variant was observed in the following populations: European (Finnish) in 47 of 24982 chromosomes (freq: 0.001881), European (non-Finnish) in 131 of 127894 chromosomes (freq: 0.001024) and Other in 6 of 7112 chromosomes (freq: 0.000844), while the variant was not observed in the African, Latino, Ashkenazi Jewish, East Asian or South Asian populations. The p.Phe1009 residue is conserved across mammals and other organisms, and four out of five computational analyses (PolyPhen-2, SIFT, BLOSUM, MutationTaster) suggest that the variant may impact the protein; however, this information is not predictive enough to assume pathogenicity. The variant occurs outside of the splicing consensus sequence and in silico or computational prediction software programs (SpliceSiteFinder, MaxEntScan, NNSPLICE, GeneSplicer) do not predict a difference in splicing at the variant location. In summary, based on the above information the clinical significance of this variant cannot be determined with certainty at this time. This variant is classified as a variant of uncertain significance.

NM_032427.4(MAML2):c.3025T>G (p.Phe1009Val)

Gene: MAML2 (mastermind like transcriptional coactivator 2; minus strand). Cytogenetic location: 11q21.
Variant type: single nucleotide variant.
Coding change: c.3025T>G on transcript NM_032427.4 (MANE Select); coding-DNA position 3025, T replaced by G.
Protein change: p.Phe1009Val; replaces phenylalanine 1009 with valine.
Molecular consequence: missense variant.
Genome position (GRCh38, 1-based): chr11:95,979,394, A>C on the plus strand (T>G on the coding strand, the complement: MAML2 is on the minus strand). VCF-style: chr11-95979394-A-C. GRCh37 (hg19) VCF-style: chr11-95712558-A-C.
Other names: short protein forms F1009V.
Identifiers: ClinVar variation 1048806 (VCV001048806.1), dbSNP rs182630516, ClinGen allele CA6240579.